The following is an entry in ClinVar:

ClinVar aggregate classification (germline): Conflicting classifications of pathogenicity. Review status: criteria provided, conflicting classifications (1 of 4 stars). 4 submissions from 4 submitters: Likely pathogenic (2); Uncertain significance (2). Last evaluated 2024-11-14.

Conditions:
Hereditary cancer-predisposing syndrome. Also called: Tumor predisposition; Neoplastic Syndromes, Hereditary; Hereditary Cancer Syndrome; Hereditary neoplastic syndrome. Identifiers: Orphanet 140162, MedGen C0027672, MeSH D009386, MONDO:0015356.
Microcephaly, normal intelligence and immunodeficiency (NBS). Also called: BERLIN BREAKAGE SYNDROME; Ataxia telangiectasia variant V1; IMMUNODEFICIENCY, MICROCEPHALY, AND CHROMOSOMAL INSTABILITY; SEEMANOVA SYNDROME II; Immunodeficiency, microcephaly with normal intelligence; Nijmegen breakage syndrome. Identifiers: Orphanet 647, MedGen C0398791, MONDO:0009623, OMIM 251260.

Submissions (4):

Ambry Genetics
Classification: Uncertain significance for Hereditary cancer-predisposing syndrome. Last evaluated: 2024-11-14. Review status: criteria provided, single submitter. Criteria: Ambry Variant Classification Scheme 2023. Collection method: clinical testing. Allele origin: germline.
Comment: The c.1911_1914+1delATCTG intronic variant results from a deletion of 5 nucleotides between positions 1911 and 1914+1 and involves the canonical splice donor site after coding exon 12 of the NBN gene. This nucleotide region is generally well conserved in available vertebrate species. In silico splice site analysis predicts that this alteration will weaken the native splice donor site. RNA studies have demonstrated that this alteration results in abnormal splicing in the set of samples tested (Ambry internal data). The resulting transcript is predicted to be in-frame and is not expected to trigger nonsense-mediated mRNA decay. The exact functional effect of the altered amino acid sequence is unknown. Since supporting evidence is limited at this time, the clinical significance of this alteration remains unclear.

Labcorp Genetics (formerly Invitae), Labcorp
Classification: Likely pathogenic for Microcephaly, normal intelligence and immunodeficiency. Last evaluated: 2024-05-29. Review status: criteria provided, single submitter. Criteria: Invitae Variant Classification Sherloc (09022015). Collection method: clinical testing. Allele origin: germline.
Comment: This variant results in the deletion of part of exon 12 (c.1911_1914+1del) of the NBN gene. It is expected to disrupt RNA splicing. Variants that disrupt the donor or acceptor splice site typically lead to a loss of protein function (PMID: 16199547), and loss-of-function variants in NBN are known to be pathogenic (PMID: 9590180, 16415040). This variant is not present in population databases (gnomAD no frequency). This variant has not been reported in the literature in individuals affected with NBN-related conditions. ClinVar contains an entry for this variant (Variation ID: 492105). In summary, the currently available evidence indicates that the variant is pathogenic, but additional data are needed to prove that conclusively. Therefore, this variant has been classified as Likely Pathogenic.

Genome-Nilou Lab
Classification: Likely pathogenic for Microcephaly, normal intelligence and immunodeficiency. Last evaluated: 2021-11-07. Review status: criteria provided, single submitter. Criteria: ACMG Guidelines, 2015. Collection method: clinical testing. Allele origin: germline. Affected: no.

Color Diagnostics, LLC DBA Color Health
Classification: Uncertain significance for Hereditary cancer-predisposing syndrome. Last evaluated: 2020-12-08. Review status: criteria provided, single submitter. Criteria: ACMG Guidelines, 2015. Collection method: clinical testing. Allele origin: germline.
Comment: This variant deletes 5 nucleotides at the exon 12/intron 12 junction of the NBN gene. This variant may have a significant impact on RNA splicing and may cause the skipping of exon 12, which would result in an in-frame deletion of 23 amino acids. However, this prediction has not been confirmed in published RNA studies. To our knowledge, this variant has not been reported in individuals affected with hereditary cancer in the literature. This variant has not been identified in the general population by the Genome Aggregation Database (gnomAD). While this variant is expected to disrupt the splice donor site of intron 12, the impact on the encoded protein has not been determined. Conflicting classifications have been reported for variants affecting the same splice site (ClinVar variation ID: 492105, 802418). In addition, to our knowledge, there is no experimental or clinical evidence indicating that exon 12 is associated with critical NBN function or NBN-related diseases. The available evidence is insufficient to determine the role of this variant in disease conclusively based on the ACMG guideline (PMID: 30192042). Therefore, this variant is classified as a Variant of Uncertain Significance.

Literature cited by the submitters: PubMed 33471991 (cited by Ambry Genetics); PubMed 16199547 (cited by Labcorp Genetics (formerly Invitae), Labcorp); PubMed 9590180 (cited by Labcorp Genetics (formerly Invitae), Labcorp); PubMed 16415040 (cited by Labcorp Genetics (formerly Invitae), Labcorp).

NM_002485.5(NBN):c.1911_1914+1del

Genes: NBN (nibrin; minus strand), LOC126860438 (MED14-independent group 3 enhancer GRCh37_chr8:90959982-90961181; plus strand). Cytogenetic location: 8q21.3.
Variant type: Deletion.
Coding change: c.1911_1914+1del on transcript NM_002485.5 (MANE Select); coding-DNA position 1911 through the canonical splice donor site of the intron after coding-DNA position 1914, 5 bases deleted (ATCTG; older notation c.1911_1914+1delATCTG).
Molecular consequence: splice donor variant.
Genome position (GRCh38, 1-based): chr8:89,947,823-89,947,827, CAGAT deleted on the plus strand (ATCTG on the coding strand, the reverse complement: NBN is on the minus strand). VCF-style (leftmost placement, unchanged base first): chr8-89947822-ACAGAT-A. GRCh37 (hg19) VCF-style: chr8-90960050-ACAGAT-A.
Other names: c.1911_1914+1delATCTG (NM_002485.4); c.1665_1668+1del (NM_001024688.3).
Identifiers: ClinVar variation 492105 (VCV000492105.22), dbSNP rs1554556880, ClinGen allele CA658683526.